The following is an entry in ClinVar:

NM_001354604.2(MITF):c.452A>G (p.His151Arg)

Gene: MITF (melanocyte inducing transcription factor; plus strand). Cytogenetic location: 3p13.
Variant type: single nucleotide variant.
Coding change: c.452A>G on transcript NM_001354604.2 (MANE Select); coding-DNA position 452, A replaced by G.
Protein change: p.His151Arg; replaces histidine 151 with arginine.
Molecular consequence: missense variant. On other transcripts: intron variant (1).
Genome position (GRCh38, 1-based): chr3:69,937,919, A>G. VCF-style: chr3-69937919-A-G. GRCh37 (hg19) VCF-style: chr3-69987070-A-G.
Other names: c.131A>G, p.His44Arg (NM_000248.4, NM_001184968.2, NM_198158.3); c.296A>G, p.His99Arg (NM_001184967.2, NM_001354608.2); c.449A>G, p.His150Arg (NM_001354605.2, NM_001354606.2, NM_006722.3); c.401A>G, p.His134Arg (NM_001354607.2); c.452A>G, p.His151Arg (NM_198159.3); c.404A>G, p.His135Arg (NM_198177.3); c.93+38A>G (NM_198178.3); short protein forms H99R, H151R, H135R, H150R, H134R, H44R.
Identifiers: ClinVar variation 2922288 (VCV002922288.3), dbSNP rs1576004813, ClinGen allele CA353560466.

ClinVar aggregate classification (germline): Uncertain significance (1 of 4 stars; one submission).

Conditions:
Tietz syndrome (TADS). Also called: HYPOPIGMENTATION/DEAFNESS OF TIETZ; ALBINISM-DEAFNESS OF TIETZ; TIETZ ALBINISM-DEAFNESS SYNDROME. Identifiers: Orphanet 42665, MedGen C0391816, MONDO:0007077, OMIM 103500.
Melanoma, cutaneous malignant, susceptibility to, 8. Also called: Cutaneous malignant melanoma 8; MELANOMA AND RENAL CELL CARCINOMA, SUSCEPTIBILITY TO. Identifiers: Orphanet 293822, MedGen C3152204, MONDO:0013759, OMIM 614456.
Waardenburg syndrome type 2A (WS2A). Also called: WAARDENBURG SYNDROME WITHOUT DYSTOPIA CANTHORUM. Identifiers: Orphanet 3440, MedGen C1860339, MONDO:0008671, OMIM 193510.

gnomAD v4.1: 1 of 1,614,152 alleles (0.000062%); highest among the groups gnomAD compares: Non-Finnish European, 0.000085%; no homozygotes.

Submission:

Labcorp Genetics (formerly Invitae), Labcorp
Classification: Uncertain significance for Melanoma, cutaneous malignant, susceptibility to, 8; Waardenburg syndrome type 2A; Tietz syndrome. Last evaluated: 2024-02-06. Review status: criteria provided, single submitter. Criteria: Invitae Variant Classification Sherloc (09022015). Collection method: clinical testing. Allele origin: germline.
Comment: This sequence change replaces histidine, which is basic and polar, with arginine, which is basic and polar, at codon 44 of the MITF protein (p.His44Arg). This variant is not present in population databases (gnomAD no frequency). This variant has not been reported in the literature in individuals affected with MITF-related conditions. Advanced modeling of protein sequence and biophysical properties (such as structural, functional, and spatial information, amino acid conservation, physicochemical variation, residue mobility, and thermodynamic stability) performed at Invitae indicates that this missense variant is not expected to disrupt MITF protein function with a negative predictive value of 80%. In summary, the available evidence is currently insufficient to determine the role of this variant in disease. Therefore, it has been classified as a Variant of Uncertain Significance.